The following is an entry in ClinVar:

ClinVar aggregate classification (germline): Likely benign. Review status: criteria provided, multiple submitters, no conflicts (2 of 4 stars). 2 submissions from 2 submitters: Likely benign (2). Last evaluated 2025-05-27.

Conditions:
RECQL4-related disorder. Also called: RECQL4-related disorders; RECQL4-related condition.
Baller-Gerold syndrome (BGS). Also called: CRANIOSYNOSTOSIS WITH RADIAL DEFECTS. Identifiers: Orphanet 1225, MedGen C0265308, MONDO:0009039, OMIM 218600.

Allele frequency attached by ClinVar (database versions not stated): gnomAD exomes 0.00001; ExAC 0.00002; gnomAD 0.00003; TOPMed 0.00006; ESP Exome Variant Server 0.00016.
gnomAD v4.1: 48 of 1,607,256 alleles (0.003%); highest among the groups gnomAD compares: African/African-American, 0.004%; no homozygotes.

Submissions (2):

Labcorp Genetics (formerly Invitae), Labcorp
Classification: Likely benign for Baller-Gerold syndrome. Last evaluated: 2025-05-27. Review status: criteria provided, single submitter. Criteria: Invitae Variant Classification Sherloc (09022015). Collection method: clinical testing. Allele origin: germline.

PreventionGenetics, part of Exact Sciences
Classification: Likely benign for RECQL4-related condition. Last evaluated: 2024-11-18. Review status: criteria provided, single submitter. Criteria: ACMG Guidelines, 2015. Collection method: clinical testing. Allele origin: germline.
Comment: This variant is classified as likely benign based on ACMG/AMP sequence variant interpretation guidelines (Richards et al. 2015 PMID: 25741868, with internal and published modifications).

NM_004260.4(RECQL4):c.3055+7C>G

Gene: RECQL4 (RecQ like helicase 4; minus strand). Cytogenetic location: 8q24.3.
Variant type: single nucleotide variant.
Coding change: c.3055+7C>G on transcript NM_004260.4 (MANE Select); 7 bases into the intron after coding-DNA position 3055, C replaced by G.
Molecular consequence: intron variant.
Genome position (GRCh38, 1-based): chr8:144,512,385, G>C on the plus strand (C>G on the coding strand, the complement: RECQL4 is on the minus strand). VCF-style: chr8-144512385-G-C. GRCh37 (hg19) VCF-style: chr8-145737768-G-C.
Identifiers: ClinVar variation 459453 (VCV000459453.11), dbSNP rs372511135, ClinGen allele CA4947959.
Genomic context (GRCh38, chr8:144,512,385, plus strand): 5'-CTGCCGGAAAGCATGTCAGATGCAGGCAGGCAGCGTCCAGGGCGGTGTGGGGTGGGGAGA[G>C]GCGCACCTGTCCTGGGCTCGTGGTCCCACTGCAGCTGGCAGAGAGCCCGCCGCACAGAGG-3'